The following is an entry in ClinVar:

ClinVar aggregate classification (germline): Likely benign. Review status: criteria provided, multiple submitters, no conflicts (2 of 4 stars). 3 submissions from 3 submitters: Likely benign (3). Last evaluated 2026-02-25.

Conditions:
Congenital dyserythropoietic anemia, type I. Also called: Dyserythropoietic anemia, congenital type 1. Identifiers: Orphanet 98869, MedGen C0271933, MONDO:0020337. Disease mechanism: loss of function.
CDAN1-related disorder. Also called: CDAN1-related condition.

Allele frequency attached by ClinVar (database versions not stated): gnomAD 0.00011 and 0.00017; TOPMed 0.00021; gnomAD exomes 0.00029 and 0.00044; ExAC 0.00049; 1000 Genomes Project 30x 0.00078; 1000 Genomes Project 0.00080.
gnomAD v4.1: 437 of 1,613,630 alleles (0.027%); highest among the groups gnomAD compares: East Asian, 0.94%; 7 homozygotes.

Submissions (3):

PreventionGenetics, part of Exact Sciences
Classification: Likely benign for CDAN1-related condition. Last evaluated: 2026-02-25. Review status: criteria provided, single submitter. Criteria: ACMG Guidelines, 2015. Collection method: clinical testing. Allele origin: germline.
Comment: This variant is classified as likely benign based on ACMG/AMP sequence variant interpretation guidelines (Richards et al. 2015 PMID: 25741868, with internal and published modifications).

Labcorp Genetics (formerly Invitae), Labcorp
Classification: Likely benign. Last evaluated: 2026-01-04. Review status: criteria provided, single submitter. Criteria: Invitae Variant Classification Sherloc (09022015). Collection method: clinical testing. Allele origin: germline.

Illumina Laboratory Services, Illumina
Classification: Likely benign for Anemia, congenital dyserythropoietic, type 1a. Last evaluated: 2018-01-13. Review status: criteria provided, single submitter. Criteria: ICSL Variant Classification Criteria 13 December 2019. Collection method: clinical testing. Allele origin: germline.
Comment: This variant was observed in the ICSL laboratory as part of a predisposition screen in an ostensibly healthy population. It had not been previously curated by ICSL or reported in the Human Gene Mutation Database (HGMD: prior to June 1st, 2018), and was therefore a candidate for classification through an automated scoring system. Utilizing variant allele frequency, disease prevalence and penetrance estimates, and inheritance mode, an automated score was calculated to assess if this variant is too frequent to cause the disease. Based on the score and internal cut-off values, a variant classified as likely benign is not then subjected to further curation. The score for this variant resulted in a classification of likely benign for this disease.

NM_138477.4(CDAN1):c.1066G>A (p.Glu356Lys)

Gene: CDAN1 (codanin 1; minus strand). Cytogenetic location: 15q15.2.
Variant type: single nucleotide variant.
Coding change: c.1066G>A on transcript NM_138477.4 (MANE Select); coding-DNA position 1066, G replaced by A.
Protein change: p.Glu356Lys; replaces glutamic acid 356 with lysine.
Molecular consequence: missense variant.
Genome position (GRCh38, 1-based): chr15:42,735,170, C>T on the plus strand (G>A on the coding strand, the complement: CDAN1 is on the minus strand). VCF-style: chr15-42735170-C-T. GRCh37 (hg19) VCF-style: chr15-43027368-C-T.
Other names: short protein forms E356K.
Identifiers: ClinVar variation 737334 (VCV000737334.11), dbSNP rs185031946, ClinGen allele CA7516172.